The following is an entry in ClinVar:

ClinVar aggregate classification (germline): Uncertain significance. Review status: criteria provided, multiple submitters, no conflicts (2 of 4 stars). 3 submissions from 3 submitters: Uncertain significance (3). Last evaluated 2026-01-29.

Conditions:
Inborn genetic diseases. Identifiers: MedGen C0950123, MeSH D030342.
Wilms tumor 1 (WT1). Also called: Wilms tumor, somatic. Identifiers: Orphanet 654, MedGen CN033288, MONDO:0008679, OMIM 194070.
11p partial monosomy syndrome (WAGR). Also called: WAGR syndrome; WAGR Complex; CHROMOSOME 11p13 DELETION SYNDROME; WAGR Spectrum Disorder. Identifiers: Orphanet 893, MedGen C0206115, MONDO:0008681, OMIM 194072.
Frasier syndrome. Identifiers: Orphanet 347, MedGen C0950122, MeSH D052159, MONDO:0007635, OMIM 136680.
Drash syndrome (DDS). Also called: NEPHROPATHY, WILMS TUMOR, AND GENITAL ANOMALIES; WILMS TUMOR AND PSEUDO- OR TRUE HERMAPHRODITISM. Identifiers: Orphanet 220, MedGen C0950121, MONDO:0008682, OMIM 194080.

Allele frequency attached by ClinVar (database versions not stated): ExAC 0.00001.
gnomAD v4.1: 10 of 1,614,248 alleles (0.00062%); highest among the groups gnomAD compares: Non-Finnish European, 0.00076%; no homozygotes.

Submissions (3):

GeneDx
Classification: Uncertain significance. Last evaluated: 2026-01-29. Review status: criteria provided, single submitter. Criteria: GeneDx Variant Classification Process June 2021. Collection method: clinical testing. Allele origin: germline.
Comment: Not observed at significant frequency in large population cohorts (gnomAD); In silico analysis supports that this missense variant has a deleterious effect on protein structure/function; Has not been previously published as pathogenic or benign to our knowledge; This variant is associated with the following publications: (PMID: 27397505)

Ambry Genetics
Classification: Uncertain significance for Inborn genetic diseases. Last evaluated: 2025-07-06. Review status: criteria provided, single submitter. Criteria: Ambry Variant Classification Scheme 2023. Collection method: clinical testing. Allele origin: germline.
Comment: The p.T345I variant (also known as c.1034C>T), located in coding exon 6 of the WT1 gene, results from a C to T substitution at nucleotide position 1034. The threonine at codon 345 is replaced by isoleucine, an amino acid with similar properties. This amino acid position is conserved. In addition, this alteration is predicted to be tolerated by in silico analysis. Based on the available evidence, the clinical significance of this variant remains unclear.

Labcorp Genetics (formerly Invitae), Labcorp
Classification: Uncertain significance for Wilms tumor 1; Drash syndrome; 11p partial monosomy syndrome; Frasier syndrome. Last evaluated: 2023-08-28. Review status: criteria provided, single submitter. Criteria: Invitae Variant Classification Sherloc (09022015). Collection method: clinical testing. Allele origin: germline.
Comment: This sequence change replaces threonine, which is neutral and polar, with isoleucine, which is neutral and non-polar, at codon 345 of the WT1 protein (p.Thr345Ile). This variant is present in population databases (rs764802290, gnomAD 0.002%). This variant has not been reported in the literature in individuals affected with WT1-related conditions. An algorithm developed to predict the effect of missense changes on protein structure and function (PolyPhen-2) suggests that this variant is likely to be tolerated. In summary, the available evidence is currently insufficient to determine the role of this variant in disease. Therefore, it has been classified as a Variant of Uncertain Significance.

NM_024426.6(WT1):c.1049C>T (p.Thr350Ile)

Gene: WT1 (WT1 transcription factor; minus strand). Cytogenetic location: 11p13.
Variant type: single nucleotide variant.
Coding change: c.1049C>T on transcript NM_024426.6 (MANE Select); coding-DNA position 1049, C replaced by T.
Protein change: p.Thr350Ile; replaces threonine 350 with isoleucine.
Molecular consequence: missense variant. On other transcripts: 5 prime UTR variant (1), non-coding transcript variant (2).
Genome position (GRCh38, 1-based): chr11:32,400,012, G>A on the plus strand (C>T on the coding strand, the complement: WT1 is on the minus strand). VCF-style: chr11-32400012-G-A. GRCh37 (hg19) VCF-style: chr11-32421558-G-A.
Other names: c.998C>T, p.Thr333Ile (NM_000378.6, NM_001407045.1, NM_001407048.1 and 1 more transcripts); c.398C>T, p.Thr133Ile (NM_001198551.2); c.347C>T, p.Thr116Ile (NM_001198552.2); c.-140C>T (NM_001367854.1); c.1043C>T, p.Thr348Ile (NM_001407044.1); c.1049C>T, p.Thr350Ile (NM_001407046.1, NM_024424.5); c.926C>T, p.Thr309Ile (NM_001407047.1); c.875C>T, p.Thr292Ile (NM_001407050.1); and 3 more; short protein forms T116I, T292I, T309I, T333I, T348I, T328I, T345I, T133I.
Identifiers: ClinVar variation 2924761 (VCV002924761.5), dbSNP rs764802290, ClinGen allele CA064072.
Genomic context (GRCh38, chr11:32,400,012, plus strand): 5'-ATGCCTCTGAAGACACCGTGCGTGTGTATTCTGTATTGGGCTCCGCAGAGGATGGGCGTT[G>A]TGTGGTTATCGCTCTCGTACCCTGTGCTGTGGCTGCAAACACAAAGAAGGGAAAAAGGCT-3'
Protein context (NP_077744.4, residues 340-360): HSTGYESDNH[Thr350Ile]TPILCGAQYR